The following is an entry in ClinVar:

NM_020822.3(KCNT1):c.2903G>T (p.Arg968Leu)

Gene: KCNT1 (potassium sodium-activated channel subfamily T member 1; plus strand). Cytogenetic location: 9q34.3.
Variant type: single nucleotide variant.
Coding change: c.2903G>T on transcript NM_020822.3 (MANE Select); coding-DNA position 2903, G replaced by T.
Protein change: p.Arg968Leu; replaces arginine 968 with leucine.
Molecular consequence: missense variant.
Genome position (GRCh38, 1-based): chr9:135,784,085, G>T. VCF-style: chr9-135784085-G-T. GRCh37 (hg19) VCF-style: chr9-138675931-G-T.
Other names: c.2768G>T, p.Arg923Leu (NM_001272003.2); short protein forms R923L, R968L.
Identifiers: ClinVar variation 1450396 (VCV001450396.8), dbSNP rs1325608473, ClinGen allele CA375517502.
Genomic context (GRCh38, chr9:135,784,085, plus strand): 5'-GGGAGCGAGAGAATGGCTCCAACCTGGCCTTCATGTTCCGCCTGCCGTTCGCCGCCGGCC[G>T]CGTCTTCAGCATCAGCATGTTGGACACACTGCTCTACCAGGTCAGCGGGGAAGCGGCAGC-3'
Protein context (NP_065873.2, residues 958-978): FMFRLPFAAG[Arg968Leu]VFSISMLDTL

ClinVar aggregate classification (germline): Uncertain significance (1 of 4 stars; one submission).

Conditions:
Developmental and epileptic encephalopathy, 14 (DEE14). Also called: Early infantile epileptic encephalopathy 14. Identifiers: Orphanet 293181, MedGen C3554195, MONDO:0013989, OMIM 614959.
Autosomal dominant nocturnal frontal lobe epilepsy 5. Also called: KCNT1-Related Epilepsy; CILIARY DYSKINESIA, PRIMARY, 28, WITH SITUS INVERSUS; Epilepsy, nocturnal frontal lobe, 5; CILIARY DYSKINESIA, PRIMARY, 28, WITHOUT SITUS INVERSUS. Identifiers: Orphanet 98784, MedGen C3554306, MONDO:0014002, OMIM 615005.

gnomAD v4.1: 2 of 1,605,742 alleles (0.00012%); highest among the groups gnomAD compares: Non-Finnish European, 0.000085%; no homozygotes.

Submission:

Labcorp Genetics (formerly Invitae), Labcorp
Classification: Uncertain significance for Autosomal dominant nocturnal frontal lobe epilepsy 5; Developmental and epileptic encephalopathy, 14. Last evaluated: 2022-09-07. Review status: criteria provided, single submitter. Criteria: Invitae Variant Classification Sherloc (09022015). Collection method: clinical testing. Allele origin: germline.
Comment: This sequence change replaces arginine, which is basic and polar, with leucine, which is neutral and non-polar, at codon 968 of the KCNT1 protein (p.Arg968Leu). This variant is not present in population databases (gnomAD no frequency). This variant has not been reported in the literature in individuals affected with KCNT1-related conditions. ClinVar contains an entry for this variant (Variation ID: 1450396). Advanced modeling of protein sequence and biophysical properties (such as structural, functional, and spatial information, amino acid conservation, physicochemical variation, residue mobility, and thermodynamic stability) performed at Invitae indicates that this missense variant is expected to disrupt KCNT1 protein function. In summary, the available evidence is currently insufficient to determine the role of this variant in disease. Therefore, it has been classified as a Variant of Uncertain Significance.